The following is an entry in ClinVar:

ClinVar aggregate classification (germline): Uncertain significance (1 of 4 stars; one submission).

Submission:

Labcorp Genetics (formerly Invitae), Labcorp
Classification: Uncertain significance. Last evaluated: 2020-08-10. Review status: criteria provided, single submitter. Criteria: Invitae Variant Classification Sherloc (09022015). Collection method: clinical testing. Allele origin: germline.
Comment: This sequence change replaces proline with serine at codon 97 of the COL10A1 protein (p.Pro97Ser). The proline residue is highly conserved and there is a moderate physicochemical difference between proline and serine. In summary, the available evidence is currently insufficient to determine the role of this variant in disease. Therefore, it has been classified as a Variant of Uncertain Significance. Algorithms developed to predict the effect of missense changes on protein structure and function are either unavailable or do not agree on the potential impact of this missense change (SIFT: "Deleterious"; PolyPhen-2: "Not Available"; Align-GVGD: "Class C0"). This variant has not been reported in the literature in individuals with COL10A1-related conditions. This variant is not present in population databases (ExAC no frequency).

NM_000493.4(COL10A1):c.289C>T (p.Pro97Ser)

Genes: COL10A1 (collagen type X alpha 1 chain; minus strand), NT5DC1 (5'-nucleotidase domain containing 1; plus strand). Cytogenetic location: 6q22.1.
Variant type: single nucleotide variant.
Coding change: c.289C>T on transcript NM_000493.4 (MANE Select); coding-DNA position 289, C replaced by T.
Protein change: p.Pro97Ser; replaces proline 97 with serine.
Molecular consequence: missense variant. On other transcripts: intron variant (1).
Genome position (GRCh38, 1-based): chr6:116,121,827, G>A on the plus strand (C>T on the coding strand, the complement: COL10A1 is on the minus strand). VCF-style: chr6-116121827-G-A. GRCh37 (hg19) VCF-style: chr6-116442990-G-A.
Other names: c.289C>T, p.Pro97Ser (NM_001424106.1, NM_001424107.1); c.529+3882G>A (NM_152729.3); short protein forms P97S.
Identifiers: ClinVar variation 1006355 (VCV001006355.9), dbSNP rs1779140387, ClinGen allele CA365396548.
Genomic context (GRCh38, chr6:116,121,827, plus strand): 5'-GTTTTCCTGGGAGTCCTGGCACACCTGGTTTCCCTACAGCTGATGGTCCCGGTGGTCCTG[G>A]CAACCCTGGCTCTCCTTGGAGTCCAGGACTTCCGTAGCCTGGTTTTCCTGGTGGTCCAGA-3'
Protein context (NP_000484.2, residues 87-107): SPGLQGEPGL[Pro97Ser]GPPGPSAVGK